The following is an entry in ClinVar:

NM_006031.6(PCNT):c.5254G>A (p.Glu1752Lys)

Gene: PCNT (pericentrin; plus strand). Cytogenetic location: 21q22.3.
Variant type: single nucleotide variant.
Coding change: c.5254G>A on transcript NM_006031.6 (MANE Select); coding-DNA position 5254, G replaced by A.
Protein change: p.Glu1752Lys; replaces glutamic acid 1752 with lysine.
Molecular consequence: missense variant.
Genome position (GRCh38, 1-based): chr21:46,411,327, G>A. VCF-style: chr21-46411327-G-A. GRCh37 (hg19) VCF-style: chr21-47831241-G-A.
Other names: c.4900G>A, p.Glu1634Lys (NM_001315529.2); short protein forms E1634K, E1752K.
Identifiers: ClinVar variation 3358093 (VCV003358093.1).

ClinVar aggregate classification (germline): Uncertain significance (0 of 4 stars; one submission).

Conditions:
PCNT-related disorder. Also called: PCNT-related condition.

gnomAD v4.1: 11 of 1,614,062 alleles (0.00068%); highest among the groups gnomAD compares: Admixed American, 0.0017%; no homozygotes.

Submission:

PreventionGenetics, part of Exact Sciences
Classification: Uncertain significance for PCNT-related condition. Last evaluated: 2024-09-03. Review status: no assertion criteria provided. Collection method: clinical testing. Allele origin: germline.
Comment: The PCNT c.5254G>A variant is predicted to result in the amino acid substitution p.Glu1752Lys. To our knowledge, this variant has not been reported in the literature. This variant is reported in 0.0029% of alleles in individuals of Latino descent in gnomAD. At this time, the clinical significance of this variant is uncertain due to the absence of conclusive functional and genetic evidence.